The following is an entry in ClinVar:

NM_002230.4(JUP):c.262_263delinsAA (p.Ala88Asn)

Gene: JUP (junction plakoglobin; minus strand). Cytogenetic location: 17q21.2.
Variant type: Indel.
Coding change: c.262_263delinsAA on transcript NM_002230.4 (MANE Select); coding-DNA positions 262 to 263, GC replaced by AA.
Protein change: p.Ala88Asn; replaces alanine 88 with asparagine.
Molecular consequence: missense variant.
Genome position (GRCh38, 1-based): chr17:41,769,623-41,769,624, GC replaced by TT on the plus strand (GC replaced by AA on the coding strand, the reverse complement: JUP is on the minus strand). VCF-style: chr17-41769623-GC-TT. GRCh37 (hg19) VCF-style: chr17-39925875-GC-TT.
Other names: c.262_263delinsAA, p.Ala88Asn (NM_001352773.2, NM_001352774.2, NM_001352775.2 and 3 more transcripts); short protein forms A88N.
Identifiers: ClinVar variation 863405 (VCV000863405.9), dbSNP rs1916297521, ClinGen allele CA916081885.

ClinVar aggregate classification (germline): Uncertain significance. Review status: criteria provided, multiple submitters, no conflicts (2 of 4 stars). 2 submissions from 2 submitters: Uncertain significance (2). Last evaluated 2024-03-25.

Conditions:
Naxos disease (NXD). Also called: KERATOSIS PALMOPLANTARIS WITH ARRHYTHMOGENIC CARDIOMYOPATHY; MAL DE NAXOS; PALMOPLANTAR KERATODERMA WITH ARRHYTHMOGENIC RIGHT VENTRICULAR CARDIOMYOPATHY AND WOOLLY HAIR; WOOLLY HAIR, PALMOPLANTAR KERATODERMA, AND CARDIAC ABNORMALITIES; CARDIOMYOPATHY, ARRHYTHMOGENIC RIGHT VENTRICULAR, WITH SKIN, HAIR, AND NAIL ABNORMALITIES. Identifiers: Orphanet 34217, MedGen C1832600, MONDO:0011017, OMIM 601214.
Arrhythmogenic right ventricular dysplasia 12. Also called: ARRHYTHMOGENIC RIGHT VENTRICULAR DYSPLASIA, FAMILIAL, 12. Identifiers: MedGen C1969081, MONDO:0012684, OMIM 611528.

Submissions (2):

Labcorp Genetics (formerly Invitae), Labcorp
Classification: Uncertain significance for Arrhythmogenic right ventricular dysplasia 12; Naxos disease. Last evaluated: 2024-03-25. Review status: criteria provided, single submitter. Criteria: Invitae Variant Classification Sherloc (09022015). Collection method: clinical testing. Allele origin: germline.
Comment: This sequence change replaces alanine, which is neutral and non-polar, with asparagine, which is neutral and polar, at codon 88 of the JUP protein (p.Ala88Asn). This variant is present in population databases (no rsID available, gnomAD 0.0004%). This variant has not been reported in the literature in individuals affected with JUP-related conditions. ClinVar contains an entry for this variant (Variation ID: 863405). An algorithm developed to predict the effect of missense changes on protein structure and function (PolyPhen-2) suggests that this variant is likely to be disruptive. In summary, the available evidence is currently insufficient to determine the role of this variant in disease. Therefore, it has been classified as a Variant of Uncertain Significance.

GeneDx
Classification: Uncertain significance. Last evaluated: 2023-07-21. Review status: criteria provided, single submitter. Criteria: GeneDx Variant Classification Process June 2021. Collection method: clinical testing. Allele origin: germline. Affected: yes.
Comment: Not observed at significant frequency in large population cohorts (gnomAD); In silico analysis supports a deleterious effect on protein structure/function; Has not been previously published as pathogenic or benign to our knowledge